The following is an entry in ClinVar:

ClinVar aggregate classification (germline): Uncertain significance (1 of 4 stars; one submission).

Conditions:
Baller-Gerold syndrome (BGS). Also called: CRANIOSYNOSTOSIS WITH RADIAL DEFECTS. Identifiers: Orphanet 1225, MedGen C0265308, MONDO:0009039, OMIM 218600.

Submission:

Labcorp Genetics (formerly Invitae), Labcorp
Classification: Uncertain significance for Baller-Gerold syndrome. Last evaluated: 2024-02-17. Review status: criteria provided, single submitter. Criteria: Invitae Variant Classification Sherloc (09022015). Collection method: clinical testing. Allele origin: germline.
Comment: This sequence change replaces histidine, which is basic and polar, with aspartic acid, which is acidic and polar, at codon 575 of the RECQL4 protein (p.His575Asp). This variant is not present in population databases (gnomAD no frequency). This variant has not been reported in the literature in individuals affected with RECQL4-related conditions. ClinVar contains an entry for this variant (Variation ID: 1018216). Advanced modeling of protein sequence and biophysical properties (such as structural, functional, and spatial information, amino acid conservation, physicochemical variation, residue mobility, and thermodynamic stability) performed at Invitae indicates that this missense variant is not expected to disrupt RECQL4 protein function with a negative predictive value of 80%. In summary, the available evidence is currently insufficient to determine the role of this variant in disease. Therefore, it has been classified as a Variant of Uncertain Significance.

NM_004260.4(RECQL4):c.1723C>G (p.His575Asp)

Gene: RECQL4 (RecQ like helicase 4; minus strand). Cytogenetic location: 8q24.3.
Variant type: single nucleotide variant.
Coding change: c.1723C>G on transcript NM_004260.4 (MANE Select); coding-DNA position 1723, C replaced by G.
Protein change: p.His575Asp; replaces histidine 575 with aspartic acid.
Molecular consequence: missense variant.
Genome position (GRCh38, 1-based): chr8:144,514,344, G>C on the plus strand (C>G on the coding strand, the complement: RECQL4 is on the minus strand). VCF-style: chr8-144514344-G-C. GRCh37 (hg19) VCF-style: chr8-145739728-G-C.
Other names: short protein forms H575D.
Identifiers: ClinVar variation 1018216 (VCV001018216.3), dbSNP rs1214615126, ClinGen allele CA372681228.
Genomic context (GRCh38, chr8:144,514,344, plus strand): 5'-GTGCGGCTGGAGGGAGGCCTCCCGCCCCCACCAGTGCCTCAGGTGTCAGCATCAGCACGT[G>C]TACCTGGGCTGCCCGAATCTGAAGGCAGCAAGATCAGAGGCACAGCCCAGGTGCCCGCCC-3'
Protein context (NP_004251.4, residues 565-585): VLQKIRAAQV[His575Asp]VLMLTPEALV